The following is an entry in ClinVar:

ClinVar aggregate classification (germline): Uncertain significance (1 of 4 stars; one submission).

Conditions:
Gastrointestinal stromal tumor. Also called: Gastrointestinal stromal tumor, somatic; Gastrointestinal stroma tumor. Identifiers: Orphanet 44890, MedGen C0238198, MeSH D046152, MONDO:0011719, OMIM 606764, HP:0100723.

Submission:

Labcorp Genetics (formerly Invitae), Labcorp
Classification: Uncertain significance for Gastrointestinal stromal tumor. Last evaluated: 2023-12-12. Review status: criteria provided, single submitter. Criteria: Invitae Variant Classification Sherloc (09022015). Collection method: clinical testing. Allele origin: germline.
Comment: This sequence change falls in intron 11 of the PDGFRA gene. It does not directly change the encoded amino acid sequence of the PDGFRA protein. This variant is not present in population databases (gnomAD no frequency). This variant has not been reported in the literature in individuals affected with PDGFRA-related conditions. Algorithms developed to predict the effect of sequence changes on RNA splicing suggest that this variant may disrupt the consensus splice site. In summary, the available evidence is currently insufficient to determine the role of this variant in disease. Therefore, it has been classified as a Variant of Uncertain Significance.

NM_006206.6(PDGFRA):c.1654-10T>A

Gene: PDGFRA (platelet derived growth factor receptor alpha; plus strand). Cytogenetic location: 4q12.
Variant type: single nucleotide variant.
Coding change: c.1654-10T>A on transcript NM_006206.6 (MANE Select); 10 bases into the intron before coding-DNA position 1654, T replaced by A.
Molecular consequence: intron variant.
Genome position (GRCh38, 1-based): chr4:54,274,831, T>A. VCF-style: chr4-54274831-T-A. GRCh37 (hg19) VCF-style: chr4-55140998-T-A.
Other names: c.1729-10T>A (NM_001347828.2); c.1654-10T>A (NM_001347827.2, NM_001347829.2); c.1693-10T>A (NM_001347830.2).
Identifiers: ClinVar variation 2907386 (VCV002907386.3), dbSNP rs2110299031, ClinGen allele CA2706127618.